The following is an entry in ClinVar:

ClinVar aggregate classification (germline): Conflicting classifications of pathogenicity. Review status: criteria provided, conflicting classifications (1 of 4 stars). 2 submissions from 2 submitters: Uncertain significance (1); Likely benign (1). Last evaluated 2025-12-19.

Conditions:
Congenital contractural arachnodactyly (CCA). Also called: BEALS SYNDROME; Arthrogryposis, distal, type 9; Beals-Hecht syndrome. Identifiers: Orphanet 115, MedGen C0220668, MONDO:0007363, OMIM 121050.
Familial thoracic aortic aneurysm and aortic dissection (TAAD). Also called: Thoracic aortic aneurysms and dissections. Identifiers: Orphanet 91387, MedGen C4707243, MONDO:0019625.

Allele frequency attached by ClinVar (database versions not stated): gnomAD 0.00001; ExAC 0.00002; gnomAD exomes 0.00005.
gnomAD v4.1: 15 of 1,613,662 alleles (0.00093%); highest among the groups gnomAD compares: Admixed American, 0.022%; no homozygotes.

Submissions (2):

Ambry Genetics
Classification: Uncertain significance for Familial thoracic aortic aneurysm and aortic dissection. Last evaluated: 2025-12-19. Review status: criteria provided, single submitter. Criteria: Ambry Variant Classification Scheme 2023. Collection method: clinical testing. Allele origin: germline.
Comment: The p.M2805V variant (also known as c.8413A>G), located in coding exon 65 of the FBN2 gene, results from an A to G substitution at nucleotide position 8413. The methionine at codon 2805 is replaced by valine, an amino acid with highly similar properties. This amino acid position is conserved. In addition, this alteration is predicted to be tolerated by in silico analysis. Based on the available evidence, the clinical significance of this variant remains unclear.

Labcorp Genetics (formerly Invitae), Labcorp
Classification: Likely benign for Congenital contractural arachnodactyly. Last evaluated: 2024-11-11. Review status: criteria provided, single submitter. Criteria: Invitae Variant Classification Sherloc (09022015). Collection method: clinical testing. Allele origin: germline.

NM_001999.4(FBN2):c.8413A>G (p.Met2805Val)

Gene: FBN2 (fibrillin 2; minus strand). Cytogenetic location: 5q23.3.
Variant type: single nucleotide variant.
Coding change: c.8413A>G on transcript NM_001999.4 (MANE Select); coding-DNA position 8413, A replaced by G.
Protein change: p.Met2805Val; replaces methionine 2805 with valine.
Molecular consequence: missense variant.
Genome position (GRCh38, 1-based): chr5:128,259,781, T>C on the plus strand (A>G on the coding strand, the complement: FBN2 is on the minus strand). VCF-style: chr5-128259781-T-C. GRCh37 (hg19) VCF-style: chr5-127595473-T-C.
Other names: c.8413A>G (NM_001999.3); short protein forms M2805V.
Identifiers: ClinVar variation 1017420 (VCV001017420.10), dbSNP rs776610785, ClinGen allele CA3393814.